The following is an entry in ClinVar:

ClinVar aggregate classification (germline): Uncertain significance (1 of 4 stars; one submission).

gnomAD v4.1: 2 of 1,613,994 alleles (0.00012%); highest among the groups gnomAD compares: South Asian, 0.0011%; no homozygotes.

Submission:

Greenwood Genetic Center Diagnostic Laboratories, Greenwood Genetic Center
Classification: Uncertain significance. Last evaluated: 2025-10-29. Review status: criteria provided, single submitter. Criteria: ACMG Guidelines, 2015. Collection method: clinical testing. Allele origin: germline. Affected: yes.
Comment: PM2, PP2

NM_152296.5(ATP1A3):c.1954G>T (p.Ala652Ser)

Gene: ATP1A3 (ATPase Na+/K+ transporting subunit alpha 3; minus strand). Cytogenetic location: 19q13.2.
Variant type: single nucleotide variant.
Coding change: c.1954G>T on transcript NM_152296.5 (MANE Select); coding-DNA position 1954, G replaced by T.
Protein change: p.Ala652Ser; replaces alanine 652 with serine.
Molecular consequence: missense variant.
Genome position (GRCh38, 1-based): chr19:41,976,556, C>A on the plus strand (G>T on the coding strand, the complement: ATP1A3 is on the minus strand). VCF-style: chr19-41976556-C-A. GRCh37 (hg19) VCF-style: chr19-42480708-C-A.
Other names: c.1987G>T, p.Ala663Ser (NM_001256213.2); c.1993G>T, p.Ala665Ser (NM_001256214.2); short protein forms A652S, A663S, A665S.
Identifiers: ClinVar variation 4845432 (VCV004845432.1).